The following is an entry in ClinVar:

ClinVar aggregate classification (germline): Likely benign. Review status: criteria provided, multiple submitters, no conflicts (2 of 4 stars). 3 submissions from 3 submitters: Likely benign (3). Last evaluated 2025-05-06.

Conditions:
CREBBP-related disorder. Also called: CREBBP-related condition; CREBBP-related disorders.
Rubinstein-Taybi syndrome (RSTS). Identifiers: Orphanet 783, MedGen C0035934, MONDO:0019188.

Allele frequency attached by ClinVar (database versions not stated): TOPMed 0.00001.
gnomAD v4.1: 15 of 1,614,102 alleles (0.00093%); highest among the groups gnomAD compares: Non-Finnish European, 0.0013%; no homozygotes.

Submissions (3):

PreventionGenetics, part of Exact Sciences
Classification: Likely benign for CREBBP-related condition. Last evaluated: 2025-05-06. Review status: criteria provided, single submitter. Criteria: ACMG Guidelines, 2015. Collection method: clinical testing. Allele origin: germline.
Comment: This variant is classified as likely benign based on ACMG/AMP sequence variant interpretation guidelines (Richards et al. 2015 PMID: 25741868, with internal and published modifications).

Blueprint Genetics
Classification: Likely benign. Last evaluated: 2024-06-14. Review status: criteria provided, single submitter. Criteria: ACMG Guidelines, 2015. Collection method: clinical testing. Allele origin: germline.

Labcorp Genetics (formerly Invitae), Labcorp
Classification: Likely benign for Rubinstein-Taybi syndrome. Last evaluated: 2023-01-04. Review status: criteria provided, single submitter. Criteria: Invitae Variant Classification Sherloc (09022015). Collection method: clinical testing. Allele origin: germline.

NM_004380.3(CREBBP):c.5592C>T (p.Leu1864=)

Gene: CREBBP (CREB binding lysine acetyltransferase; minus strand). Cytogenetic location: 16p13.3.
Variant type: single nucleotide variant.
Coding change: c.5592C>T on transcript NM_004380.3 (MANE Select); coding-DNA position 5592, C replaced by T.
Protein change: p.Leu1864=; no amino-acid change (leucine 1864 retained).
Molecular consequence: synonymous variant.
Genome position (GRCh38, 1-based): chr16:3,729,455, G>A on the plus strand (C>T on the coding strand, the complement: CREBBP is on the minus strand). VCF-style: chr16-3729455-G-A. GRCh37 (hg19) VCF-style: chr16-3779456-G-A.
Other names: c.5592C>T (NM_004380.2); c.5478C>T, p.Leu1826= (NM_001079846.1).
Identifiers: ClinVar variation 3016877 (VCV003016877.5), dbSNP rs776759011, ClinGen allele CA276972182.
Genomic context (GRCh38, chr16:3,729,455, plus strand): 5'-AGAAGGCAGACTCTGCTGAGGCACGTTGCGGGTGTTCATGGTGGCCATCCGCCGGCGCAT[G>A]AGCTGGGCCTGCTGCAGGCGGTGCTGGATCTGCTGCTGGCGGAGCTTGTGTTTGATGTTG-3'
Protein context (NP_004371.2, residues 1854-1874): QIQHRLQQAQ[Leu1864=]MRRRMATMNT